The following is an entry in ClinVar:

NM_022455.5(NSD1):c.53A>G (p.Asn18Ser)

Gene: NSD1 (nuclear receptor binding SET domain protein 1; plus strand). Cytogenetic location: 5q35.3.
Variant type: single nucleotide variant.
Coding change: c.53A>G on transcript NM_022455.5 (MANE Select); coding-DNA position 53, A replaced by G.
Protein change: p.Asn18Ser; replaces asparagine 18 with serine.
Molecular consequence: missense variant. On other transcripts: 5 prime UTR variant (7).
Genome position (GRCh38, 1-based): chr5:177,135,156, A>G. VCF-style: chr5-177135156-A-G. GRCh37 (hg19) VCF-style: chr5-176562157-A-G.
Other names: c.-81A>G (NM_001365684.2, NM_001409305.1, NM_001409306.1 and 4 more transcripts); c.53A>G, p.Asn18Ser (NM_001409301.1, NM_001409302.1, NM_001409303.1 and 1 more transcripts); short protein forms N18S.
Identifiers: ClinVar variation 3591945 (VCV003591945.3).

ClinVar aggregate classification (germline): Uncertain significance. Review status: criteria provided, multiple submitters, no conflicts (2 of 4 stars). 2 submissions from 2 submitters: Uncertain significance (2). Last evaluated 2024-11-19.

Conditions:
Sotos syndrome (SOTOS). Also called: Distinctive facial appearance, overgrowth in childhood, and learning disabilities or delayed development; SOTOS SYNDROME 1; CHROMOSOME 5q35 DELETION SYNDROME; CEREBRAL GIGANTISM; Sotos' syndrome. Identifiers: Orphanet 821, MedGen C0175695, MONDO:0019349, OMIM 117550.

gnomAD v4.1: 1 of 1,614,192 alleles (0.000062%); highest among the groups gnomAD compares: Non-Finnish European, 0.000085%; no homozygotes.

Submissions (2):

Labcorp Genetics (formerly Invitae), Labcorp
Classification: Uncertain significance. Last evaluated: 2024-11-19. Review status: criteria provided, single submitter. Criteria: Invitae Variant Classification Sherloc (09022015). Collection method: clinical testing. Allele origin: germline.
Comment: This sequence change replaces asparagine, which is neutral and polar, with serine, which is neutral and polar, at codon 18 of the NSD1 protein (p.Asn18Ser). This variant is not present in population databases (gnomAD no frequency). This variant has not been reported in the literature in individuals affected with NSD1-related conditions. Invitae Evidence Modeling of protein sequence and biophysical properties (such as structural, functional, and spatial information, amino acid conservation, physicochemical variation, residue mobility, and thermodynamic stability) indicates that this missense variant is not expected to disrupt NSD1 protein function with a negative predictive value of 95%. In summary, the available evidence is currently insufficient to determine the role of this variant in disease. Therefore, it has been classified as a Variant of Uncertain Significance.

Fulgent Genetics
Classification: Uncertain significance for Sotos syndrome. Last evaluated: 2024-04-03. Review status: criteria provided, single submitter. Criteria: ACMG Guidelines, 2015. Collection method: clinical testing. Allele origin: germline.